The following is an entry in ClinVar:

NM_001253697.2(ERBIN):c.2460T>G (p.Asn820Lys)

Gene: ERBIN (erbb2 interacting protein; plus strand). Cytogenetic location: 5q12.3.
Variant type: single nucleotide variant.
Coding change: c.2460T>G on transcript NM_001253697.2 (MANE Select); coding-DNA position 2460, T replaced by G.
Protein change: p.Asn820Lys; replaces asparagine 820 with lysine.
Molecular consequence: missense variant.
Genome position (GRCh38, 1-based): chr5:66,053,778, T>G. VCF-style: chr5-66053778-T-G. GRCh37 (hg19) VCF-style: chr5-65349606-T-G.
Other names: c.2460T>G, p.Asn820Lys (NM_001006600.3, NM_001253698.2, NM_001253699.2 and 1 more transcripts); c.2448T>G, p.Asn816Lys (NM_001253701.2); short protein forms N820K, N816K.
Identifiers: ClinVar variation 4718607 (VCV004718607.1).
Genomic context (GRCh38, chr5:66,053,778, plus strand): 5'-TAAAGAGGAAACTGAGCACTTGGAAAATGGAAACAAGTATCCTAATTTGGAATCCGTAAA[T>G]AAGGTAAATGGACATTCTGAGGAAACTTCCCAGTCTCCTAATAGGACTGAACCACATGAC-3'
Protein context (NP_001240626.1, residues 810-830): GNKYPNLESV[Asn820Lys]KVNGHSEETS

ClinVar aggregate classification (germline): Uncertain significance (1 of 4 stars; one submission).

Submission:

Labcorp Genetics (formerly Invitae), Labcorp
Classification: Uncertain significance. Last evaluated: 2025-04-29. Review status: criteria provided, single submitter. Criteria: Invitae Variant Classification Sherloc (09022015). Collection method: clinical testing. Allele origin: germline.
Comment: This sequence change replaces asparagine, which is neutral and polar, with lysine, which is basic and polar, at codon 820 of the ERBIN protein (p.Asn820Lys). This variant is not present in population databases (gnomAD no frequency). This variant has not been reported in the literature in individuals affected with ERBIN-related conditions. An algorithm developed to predict the effect of missense changes on protein structure and function (PolyPhen-2) suggests that this variant is likely to be tolerated. In summary, the available evidence is currently insufficient to determine the role of this variant in disease. Therefore, it has been classified as a Variant of Uncertain Significance.